The following is an entry in ClinVar:

ClinVar aggregate classification (germline): Uncertain significance. Review status: criteria provided, multiple submitters, no conflicts (2 of 4 stars). 2 submissions from 2 submitters: Uncertain significance (2). Last evaluated 2025-06-14.

Allele frequency attached by ClinVar (database versions not stated): gnomAD 0.00001; TOPMed 0.00002; ExAC 0.00005; gnomAD exomes 0.00001.
gnomAD v4.1: 6 of 1,614,104 alleles (0.00037%); highest among the groups gnomAD compares: East Asian, 0.0089%; no homozygotes.

Submissions (2):

Labcorp Genetics (formerly Invitae), Labcorp
Classification: Uncertain significance. Last evaluated: 2025-06-14. Review status: criteria provided, single submitter. Criteria: Invitae Variant Classification Sherloc (09022015). Collection method: clinical testing. Allele origin: germline.
Comment: This sequence change replaces glycine, which is neutral and non-polar, with aspartic acid, which is acidic and polar, at codon 67 of the MAP3K8 protein (p.Gly67Asp). This variant is present in population databases (rs767198025, gnomAD 0.04%). This variant has not been reported in the literature in individuals affected with MAP3K8-related conditions. ClinVar contains an entry for this variant (Variation ID: 2803160). An algorithm developed to predict the effect of missense changes on protein structure and function (PolyPhen-2) suggests that this variant is likely to be tolerated. In summary, the available evidence is currently insufficient to determine the role of this variant in disease. Therefore, it has been classified as a Variant of Uncertain Significance.

Ambry Genetics
Classification: Uncertain significance. Last evaluated: 2023-12-04. Review status: criteria provided, single submitter. Criteria: Ambry Variant Classification Scheme 2023. Collection method: clinical testing. Allele origin: germline.

NM_005204.4(MAP3K8):c.200G>A (p.Gly67Asp)

Gene: MAP3K8 (mitogen-activated protein kinase kinase kinase 8; plus strand). Cytogenetic location: 10p11.23.
Variant type: single nucleotide variant.
Coding change: c.200G>A on transcript NM_005204.4 (MANE Select); coding-DNA position 200, G replaced by A.
Protein change: p.Gly67Asp; replaces glycine 67 with aspartic acid.
Molecular consequence: missense variant.
Genome position (GRCh38, 1-based): chr10:30,439,138, G>A. VCF-style: chr10-30439138-G-A. GRCh37 (hg19) VCF-style: chr10-30728067-G-A.
Other names: c.200G>A (NM_005204.3); c.200G>A, p.Gly67Asp (NM_001244134.1, NM_001320961.2); short protein forms G67D.
Identifiers: ClinVar variation 2803160 (VCV002803160.4), dbSNP rs767198025, ClinGen allele CA5459603.